The following is an entry in ClinVar:

NM_014334.4(FRRS1L):c.512G>T (p.Arg171Leu)

Gene: FRRS1L (ferric chelate reductase 1 like; minus strand). Cytogenetic location: 9q31.3.
Variant type: single nucleotide variant.
Coding change: c.512G>T on transcript NM_014334.4 (MANE Select); coding-DNA position 512, G replaced by T.
Protein change: p.Arg171Leu; replaces arginine 171 with leucine.
Molecular consequence: missense variant.
Genome position (GRCh38, 1-based): chr9:109,141,540, C>A on the plus strand (G>T on the coding strand, the complement: FRRS1L is on the minus strand). VCF-style: chr9-109141540-C-A. GRCh37 (hg19) VCF-style: chr9-111903820-C-A.
Other names: short protein forms R171L.
Identifiers: ClinVar variation 849850 (VCV000849850.10), dbSNP rs534260927, ClinGen allele CA374424934.

ClinVar aggregate classification (germline): Uncertain significance (1 of 4 stars; one submission).

Conditions:
Developmental and epileptic encephalopathy, 37 (DEE37). Also called: Epileptic encephalopathy, early infantile, 37. Identifiers: MedGen C4310770, MONDO:0014859, OMIM 616981.

gnomAD v4.1: 3 of 1,613,826 alleles (0.00019%); highest among the groups gnomAD compares: Non-Finnish European, 0.00017%; no homozygotes.

Submission:

Labcorp Genetics (formerly Invitae), Labcorp
Classification: Uncertain significance for Developmental and epileptic encephalopathy, 37. Last evaluated: 2020-03-06. Review status: criteria provided, single submitter. Criteria: Invitae Variant Classification Sherloc (09022015). Collection method: clinical testing. Allele origin: germline.
Comment: In summary, the available evidence is currently insufficient to determine the role of this variant in disease. Therefore, it has been classified as a Variant of Uncertain Significance. Algorithms developed to predict the effect of missense changes on protein structure and function are either unavailable or do not agree on the potential impact of this missense change (SIFT: "Deleterious"; PolyPhen-2: "Possibly Damaging"; Align-GVGD: "Class C15"). This variant has not been reported in the literature in individuals with FRRS1L-related conditions. This variant is not present in population databases (ExAC no frequency). This sequence change replaces arginine with leucine at codon 222 of the FRRS1L protein (p.Arg222Leu). The arginine residue is highly conserved and there is a moderate physicochemical difference between arginine and leucine.